The following is an entry in ClinVar:

ClinVar aggregate classification (germline): Pathogenic (3 of 4 stars; one submission).

Conditions:
Breast-ovarian cancer, familial, susceptibility to, 1 (BROVCA1). Also called: BRCA1 Hereditary Breast and Ovarian Cancer; OVARIAN CANCER, SUSCEPTIBILITY TO. Identifiers: Orphanet 145, MedGen C2676676, MONDO:0011450, OMIM 604370. Disease mechanism: loss of function.

Submission:

Evidence-based Network for the Interpretation of Germline Mutant Alleles (ENIGMA)
Classification: Pathogenic for Breast-ovarian cancer, familial, susceptibility to, 1. Last evaluated: 2017-12-15. Review status: reviewed by expert panel. Criteria: ENIGMA BRCA1/2 Classification Criteria (2017-06-29). Collection method: curation. Allele origin: germline. Study: ENIGMA.
Comment: Variant allele predicted to encode a truncated non-functional protein.

NM_007294.4(BRCA1):c.3333dup (p.Glu1112fs)

Genes: BRCA1 (BRCA1 DNA repair associated; minus strand), LOC126862571 (BRD4-independent group 4 enhancer GRCh37_chr17:41243136-41244335; plus strand). Cytogenetic location: 17q21.31.
Variant type: Duplication.
Coding change: c.3333dup on transcript NM_007294.4 (MANE Select); coding-DNA position 3333, one base duplicated (A; older notation c.3333dupA).
Protein change: p.Glu1112fs; shifts the reading frame from glutamic acid 1112.
Molecular consequence: frameshift variant. On other transcripts: intron variant (137).
Genome position (GRCh38, 1-based): chr17:43,092,198, T duplicated on the plus strand (A on the coding strand, the reverse complement: BRCA1 is on the minus strand); the first of 2 consecutive T bases (chr17:43,092,198-43,092,199); duplicating either gives the same sequence. VCF-style (leftmost placement, unchanged base first): chr17-43092197-C-CT. GRCh37 (hg19) VCF-style: chr17-41244214-C-CT.
Other names: c.3333dupA (NM_007294.3); c.3000dup, p.Glu1001fs (NM_001407957.1, NM_001407946.1, NM_001407947.1 and 6 more transcripts); c.2997dup, p.Glu1000fs (NM_001407958.1, NM_001407954.1, NM_001407955.1 and 1 more transcripts); c.2952dup, p.Glu985fs (NM_001407959.1, NM_001407960.1, NM_001407963.1); c.2949dup, p.Glu984fs (NM_001407962.1); c.3189dup, p.Glu1064fs (NM_001407964.1, NM_001407740.1, NM_001407741.1 and 20 more transcripts); c.2829dup, p.Glu944fs (NM_001407965.1); c.2445dup, p.Glu816fs (NM_001407966.1, NM_001407967.1); and 42 more; short protein forms E1112fs, E1065fs, E1001fs, E1023fs, E1085fs, E1086fs, E985fs, E1070fs.
Identifiers: ClinVar variation 548236 (VCV000548236.3), dbSNP rs80357966, ClinGen allele CA658823973.